The following is an entry in ClinVar:

NM_001379610.1(SPINK1):c.217A>T (p.Ile73Phe)

Gene: SPINK1 (serine peptidase inhibitor Kazal type 1; minus strand). Cytogenetic location: 5q32.
Variant type: single nucleotide variant.
Coding change: c.217A>T on transcript NM_001379610.1 (MANE Select); coding-DNA position 217, A replaced by T.
Protein change: p.Ile73Phe; replaces isoleucine 73 with phenylalanine.
Molecular consequence: missense variant.
Genome position (GRCh38, 1-based): chr5:147,824,684, T>A on the plus strand (A>T on the coding strand, the complement: SPINK1 is on the minus strand). VCF-style: chr5-147824684-T-A. GRCh37 (hg19) VCF-style: chr5-147204247-T-A.
Other names: c.217A>T, p.Ile73Phe (NM_001354966.2, NM_003122.5); short protein forms I73F.
Identifiers: ClinVar variation 928762 (VCV000928762.4), dbSNP rs982462613, ClinGen allele CA129689663.
Genomic context (GRCh38, chr5:147,824,684, plus strand): 5'-CTCGCGGTGACCTGATGGGATTTCAAAACCTTGGTTCTCAGCAAGGCCCAGATTTTTGAA[T>A]GAGGATAGAAGTCTGGCGTTTCCTGCAGTAGAGATTAAAAAAAATATATCAGCTTAAACT-3'
Protein context (NP_001366539.1, residues 63-79): ENRKRQTSIL[Ile73Phe]QKSGPC

ClinVar aggregate classification (germline): Uncertain significance. Review status: criteria provided, multiple submitters, no conflicts (2 of 4 stars). 2 submissions from 2 submitters: Uncertain significance (2). Last evaluated 2024-05-03.

Conditions:
Hereditary pancreatitis (PCTT). Also called: Hereditary chronic pancreatitis; PRSS1-Related Hereditary Pancreatitis. Identifiers: Orphanet 676, MedGen C0238339, MONDO:0008185, OMIM 167800.

Submissions (2):

Ambry Genetics
Classification: Uncertain significance for Hereditary pancreatitis. Last evaluated: 2024-05-03. Review status: criteria provided, single submitter. Criteria: Ambry Variant Classification Scheme 2023. Collection method: clinical testing. Allele origin: germline.
Comment: The p.I73F variant (also known as c.217A>T), located in coding exon 4 of the SPINK1 gene, results from an A to T substitution at nucleotide position 217. The isoleucine at codon 73 is replaced by phenylalanine, an amino acid with highly similar properties. This amino acid position is conserved. In addition, this alteration is predicted to be tolerated by in silico analysis. Since supporting evidence is limited at this time, the clinical significance of this alteration remains unclear.

Women's Health and Genetics/Laboratory Corporation of America, LabCorp
Classification: Uncertain significance. Last evaluated: 2019-04-05. Review status: criteria provided, single submitter. Criteria: LabCorp Variant Classification Summary - May 2015. Collection method: clinical testing. Allele origin: germline.
Comment: Variant summary: SPINK1 c.217A>T (p.Ile73Phe) results in a non-conservative amino acid change located in the Kazal domain (IPR002350) of the encoded protein sequence. Four of five in-silico tools predict a damaging effect of the variant on protein function. The variant was absent in 245404 control chromosomes (gnomAD). The available data on variant occurrences in the general population are insufficient to allow any conclusion about variant significance. To our knowledge, no occurrence of c.217A>T in individuals affected with Chronic Pancreatitis and no experimental evidence demonstrating its impact on protein function have been reported. No clinical diagnostic laboratories have submitted clinical-significance assessments for this variant to ClinVar after 2014. Based on the evidence outlined above, the variant was classified as uncertain significance.